The following is an entry in ClinVar:

ClinVar aggregate classification (germline): Uncertain significance (1 of 4 stars; one submission).

Conditions:
Early-infantile DEE. Also called: Ohtahara syndrome; Early infantile epileptic encephalopathy with suppression bursts; Early infantile epileptic encephalopathy. Identifiers: Orphanet 1934, MedGen C0393706, MONDO:0800491.

Submission:

Labcorp Genetics (formerly Invitae), Labcorp
Classification: Uncertain significance for Early-infantile DEE. Last evaluated: 2020-12-25. Review status: criteria provided, single submitter. Criteria: Invitae Variant Classification Sherloc (09022015). Collection method: clinical testing. Allele origin: germline.
Comment: This variant has not been reported in the literature in individuals with SCN1A-related conditions. In summary, the available evidence is currently insufficient to determine the role of this variant in disease. Therefore, it has been classified as a Variant of Uncertain Significance. Algorithms developed to predict the effect of missense changes on protein structure and function (SIFT, PolyPhen-2, Align-GVGD) all suggest that this variant is likely to be disruptive, but these predictions have not been confirmed by published functional studies and their clinical significance is uncertain. This variant is not present in population databases (ExAC no frequency). This sequence change replaces serine with phenylalanine at codon 751 of the SCN1A protein (p.Ser751Phe). The serine residue is highly conserved and there is a large physicochemical difference between serine and phenylalanine.

NM_001165963.4(SCN1A):c.2252C>T (p.Ser751Phe)

Gene: SCN1A (sodium voltage-gated channel alpha subunit 1; minus strand). Cytogenetic location: 2q24.3.
Variant type: single nucleotide variant.
Coding change: c.2252C>T on transcript NM_001165963.4 (MANE Select); coding-DNA position 2252, C replaced by T.
Protein change: p.Ser751Phe; replaces serine 751 with phenylalanine.
Molecular consequence: missense variant. On other transcripts: 5 prime UTR variant (1), non-coding transcript variant (1).
Genome position (GRCh38, 1-based): chr2:166,041,394, G>A on the plus strand (C>T on the coding strand, the complement: SCN1A is on the minus strand). VCF-style: chr2-166041394-G-A. GRCh37 (hg19) VCF-style: chr2-166897904-G-A.
Other names: c.2168C>T, p.Ser723Phe (NM_001165964.3, NM_001353957.2, NM_001353958.2); c.2252C>T, p.Ser751Phe (NM_001202435.3, NM_001353948.2); c.2219C>T, p.Ser740Phe (NM_001353949.2, NM_001353950.2, NM_001353951.2 and 2 more transcripts); c.2216C>T, p.Ser739Phe (NM_001353954.2, NM_001353955.2); c.2165C>T, p.Ser722Phe (NM_001353960.2); c.-207C>T (NM_001353961.2); short protein forms S740F, S722F, S723F, S751F, S739F.
Identifiers: ClinVar variation 1470356 (VCV001470356.9), dbSNP rs2105828879, ClinGen allele CA349064873.